The following is an entry in ClinVar:

ClinVar aggregate classification (germline): Benign/Likely benign. Review status: criteria provided, multiple submitters, no conflicts (2 of 4 stars). 15 submissions from 14 submitters: Benign (3); Likely benign (7). 5 of the submissions do not count toward it. Last evaluated 2026-06-01.

Conditions:
HSPG2-related disorder. Also called: HSPG2-related condition; HSPG2-related disorders.
Schwartz-Jampel syndrome. Also called: Myotonic myopathy dwarfism chondrodystrophy and ocular and facial abnormalities. Identifiers: Orphanet 800, MedGen C0036391, MONDO:0009717.
Lethal Kniest-like syndrome (DDSH). Also called: Dyssegmental Dysplasia. Identifiers: Orphanet 1865, MedGen C1857100, MONDO:0009140, OMIM 224410.

Allele frequency attached by ClinVar (database versions not stated): 1000 Genomes Project 30x 0.00094; 1000 Genomes Project 0.00100; TOPMed 0.00166; gnomAD 0.00188 and 0.00199; ESP Exome Variant Server 0.00208; gnomAD exomes 0.00310; ExAC 0.00389.
gnomAD v4.1: 4,152 of 1,610,952 alleles (0.26%); highest among the groups gnomAD compares: Middle Eastern, 1.4%; 19 homozygotes.

Submissions (15):

CeGaT Center for Human Genetics Tuebingen
Classification: Likely benign. Last evaluated: 2026-06-01. Review status: criteria provided, single submitter. Criteria: CeGaT Center For Human Genetics Tuebingen Variant Classification Criteria Version 2. Collection method: clinical testing. Allele origin: germline. Affected: yes. Observed: 14 variant alleles.
Comment: HSPG2: PM5, BP4, BS2

Labcorp Genetics (formerly Invitae), Labcorp
Classification: Benign. Last evaluated: 2026-01-13. Review status: criteria provided, single submitter. Criteria: Invitae Variant Classification Sherloc (09022015). Collection method: clinical testing. Allele origin: germline.

GeneDx
Classification: Benign. Last evaluated: 2020-10-15. Review status: criteria provided, single submitter. Criteria: GeneDx Variant Classification Process June 2021. Collection method: clinical testing. Allele origin: germline. Affected: yes.

ARUP Laboratories, Molecular Genetics and Genomics, ARUP Laboratories
Classification: Likely benign. Last evaluated: 2020-02-16. Review status: criteria provided, single submitter. Criteria: ARUP Molecular Germline Variant Investigation Process. Collection method: clinical testing. Allele origin: germline.

Institute of Human Genetics, University of Leipzig Medical Center
Classification: Likely benign for Schwartz-Jampel syndrome type 1. Last evaluated: 2019-01-01. Review status: criteria provided, single submitter. Criteria: ACMG Guidelines, 2015. Collection method: clinical testing. Allele origin: unknown. Affected: yes.

Athena Diagnostics
Classification: Benign. Last evaluated: 2018-06-19. Review status: criteria provided, single submitter. Criteria: Athena Diagnostics Criteria. Collection method: clinical testing. Allele origin: germline.

Illumina Laboratory Services, Illumina
Classification: Likely benign for Lethal Kniest-like syndrome. Last evaluated: 2018-01-12. Review status: criteria provided, single submitter. Criteria: ICSL Variant Classification Criteria 13 December 2019. Collection method: clinical testing. Allele origin: germline.
Comment: This variant was observed in the ICSL laboratory as part of a predisposition screen in an ostensibly healthy population. It had not been previously curated by ICSL or reported in the Human Gene Mutation Database (HGMD: prior to June 1st, 2018), and was therefore a candidate for classification through an automated scoring system. Utilizing variant allele frequency, disease prevalence and penetrance estimates, and inheritance mode, an automated score was calculated to assess if this variant is too frequent to cause the disease. Based on the score and internal cut-off values, a variant classified as likely benign is not then subjected to further curation. The score for this variant resulted in a classification of likely benign for this disease.

Illumina Laboratory Services, Illumina
Classification: Likely benign for Schwartz-Jampel syndrome type 1. Last evaluated: 2018-01-12. Review status: criteria provided, single submitter. Criteria: ICSL Variant Classification Criteria 13 December 2019. Collection method: clinical testing. Allele origin: germline.
Comment: the same text as in the submission from Illumina Laboratory Services, Illumina above.

Eurofins Ntd Llc (ga)
Classification: Likely benign. Last evaluated: 2017-09-07. Review status: criteria provided, single submitter. Criteria: EGL Classification Definitions 2015. Collection method: clinical testing. Allele origin: germline. Observed: 1 variant allele, 1 heterozygote.

Breakthrough Genomics
Classification: Likely benign. Review status: criteria provided, single submitter. Criteria: ACMG Guidelines, 2015. Collection method: not provided. Allele origin: germline. Inheritance: Autosomal recessive inheritance. Affected: yes.

PreventionGenetics, part of Exact Sciences
Classification: Benign for HSPG2-related condition. Last evaluated: 2020-03-19. Review status: no assertion criteria provided. Collection method: clinical testing. Allele origin: germline. Not counted in ClinVar's aggregate classification.
Comment: This variant is classified as benign based on ACMG/AMP sequence variant interpretation guidelines (Richards et al. 2015 PMID: 25741868, with internal and published modifications).

Clinical Genetics DNA and cytogenetics Diagnostics Lab, Erasmus MC, Erasmus Medical Center
Classification: Likely benign. Review status: no assertion criteria provided. Collection method: clinical testing. Allele origin: germline. Affected: yes. Study: VKGL Data-share Consensus. Not counted in ClinVar's aggregate classification.

Department of Pathology and Laboratory Medicine, Sinai Health System
Classification: Likely benign. Review status: no assertion criteria provided. Collection method: clinical testing. Allele origin: unknown. Affected: yes. Study: The Canadian Open Genetics Repository (COGR). Not counted in ClinVar's aggregate classification.
Comment: The HSPG2 p.Arg413Gln variant was not identified in the literature nor was it identified in Cosmic or LOVD 3.0. The variant was identified in dbSNP (ID: rs140621959) and in ClinVar (classified as benign by Athena Diagnostics, likely benign by EGL Genetics and a VUS by Illumina for Schwartz Jampel syndrome type 1 and Dyssegmental Dysplasia). The variant was also identified in control databases in 809 of 273938 chromosomes (5 homozygous) at a frequency of 0.002953 increasing the likelihood this could be a low frequency benign variant (Genome Aggregation Database Feb 27, 2017). The variant was observed in the following populations: South Asian in 232 of 30228 chromosomes (freq: 0.007675), Other in 31 of 7030 chromosomes (freq: 0.00441), European (non-Finnish) in 440 of 124116 chromosomes (freq: 0.003545), Ashkenazi Jewish in 30 of 9986 chromosomes (freq: 0.003004), European (Finnish) in 31 of 24420 chromosomes (freq: 0.001269), Latino in 36 of 34880 chromosomes (freq: 0.001032), African in 8 of 23638 chromosomes (freq: 0.000338) and East Asian in 1 of 19640 chromosomes (freq: 0.000051). The variant occurs outside of the splicing consensus sequence and 2 of 4 in silico or computational prediction software programs (SpliceSiteFinder, MaxEntScan) predict a greater than 10% difference in splicing; this is not very predictive of pathogenicity. The p.Arg413 residue is not conserved in mammals and computational analyses (PolyPhen-2, SIFT, AlignGVGD, BLOSUM, MutationTaster) do not suggest a high likelihood of impact to the protein; however, this information is not predictive enough to rule out pathogenicity. In summary, based on the above information the clinical significance of this variant cannot be determined with certainty at this time although we would lean towards a more benign role for this variant. This variant is classified as likely benign.

Genome Diagnostics Laboratory, University Medical Center Utrecht
Classification: Likely benign. Review status: no assertion criteria provided. Collection method: clinical testing. Allele origin: germline. Affected: yes. Study: VKGL Data-share Consensus. Not counted in ClinVar's aggregate classification.

Laboratory of Diagnostic Genome Analysis, Leiden University Medical Center (LUMC)
Classification: Likely benign. Review status: no assertion criteria provided. Collection method: clinical testing. Allele origin: germline. Affected: yes. Study: VKGL Data-share Consensus. Not counted in ClinVar's aggregate classification.

NM_005529.7(HSPG2):c.1238G>A (p.Arg413Gln)

Gene: HSPG2 (heparan sulfate proteoglycan 2; minus strand). Cytogenetic location: 1p36.12.
Variant type: single nucleotide variant.
Coding change: c.1238G>A on transcript NM_005529.7 (MANE Select); coding-DNA position 1238, G replaced by A.
Protein change: p.Arg413Gln; replaces arginine 413 with glutamine.
Molecular consequence: missense variant.
Genome position (GRCh38, 1-based): chr1:21,885,130, C>T on the plus strand (G>A on the coding strand, the complement: HSPG2 is on the minus strand). VCF-style: chr1-21885130-C-T. GRCh37 (hg19) VCF-style: chr1-22211623-C-T.
Other names: c.1238G>A, p.Arg413Gln (NM_001291860.2); short protein forms R413Q.
Identifiers: ClinVar variation 295896 (VCV000295896.58), dbSNP rs140621959, ClinGen allele CA673502.